The following is an entry in ClinVar:

NM_017431.4(PRKAG3):c.457C>G (p.Leu153Val)

Gene: PRKAG3 (protein kinase AMP-activated non-catalytic subunit gamma 3; minus strand). Cytogenetic location: 2q35.
Variant type: single nucleotide variant.
Coding change: c.457C>G on transcript NM_017431.4 (MANE Select); coding-DNA position 457, C replaced by G.
Protein change: p.Leu153Val; replaces leucine 153 with valine.
Molecular consequence: missense variant.
Genome position (GRCh38, 1-based): chr2:218,830,154, G>C on the plus strand (C>G on the coding strand, the complement: PRKAG3 is on the minus strand). VCF-style: chr2-218830154-G-C. GRCh37 (hg19) VCF-style: chr2-219694877-G-C.
Other names: short protein forms L153V.
Identifiers: ClinVar variation 3037423 (VCV003037423.2), dbSNP rs35050588, ClinGen allele CA2113393.

ClinVar aggregate classification (germline): Benign (0 of 4 stars; one submission).

Conditions:
PRKAG3-related disorder. Also called: PRKAG3-related condition.

Allele frequency attached by ClinVar (database versions not stated): 1000 Genomes Project 0.03794; ESP Exome Variant Server 0.03867; TOPMed 0.04027; 1000 Genomes Project 30x 0.04122.
gnomAD v4.1: 10,413 of 1,614,110 alleles (0.65%); highest among the groups gnomAD compares: African/African-American, 12%; 589 homozygotes.

Submission:

PreventionGenetics, part of Exact Sciences
Classification: Benign for PRKAG3-related condition. Last evaluated: 2019-11-16. Review status: no assertion criteria provided. Collection method: clinical testing. Allele origin: germline.
Comment: This variant is classified as benign based on ACMG/AMP sequence variant interpretation guidelines (Richards et al. 2015 PMID: 25741868, with internal and published modifications).